The following is an entry in ClinVar:

ClinVar aggregate classification (germline): Uncertain significance (0 of 4 stars; one submission).

Submission:

Greenwood Genetic Center Diagnostic Laboratories, Greenwood Genetic Center
Classification: Uncertain significance. Last evaluated: 2021-03-01. Review status: no assertion criteria provided. Collection method: clinical testing. Allele origin: germline. Affected: yes.
Comment: Gene of uncertain clinical significance

NM_032482.3(DOT1L):c.2691+1G>A

Gene: DOT1L (DOT1 like histone lysine methyltransferase; plus strand). Cytogenetic location: 19p13.3.
Variant type: single nucleotide variant.
Coding change: c.2691+1G>A on transcript NM_032482.3 (MANE Select); the canonical splice donor site of the intron after coding-DNA position 2691, G replaced by A.
Molecular consequence: splice donor variant.
Genome position (GRCh38, 1-based): chr19:2,217,919, G>A. VCF-style: chr19-2217919-G-A. GRCh37 (hg19) VCF-style: chr19-2217918-G-A.
Other names: c.2691+1G>A (NM_001411141.1).
Identifiers: ClinVar variation 1331596 (VCV001331596.4), dbSNP rs2144878433, ClinGen allele CA403200227.